The following is an entry in ClinVar:

ClinVar aggregate classification (germline): Uncertain significance (1 of 4 stars; one submission).

Conditions:
Cystic fibrosis (CF). Also called: MUCOVISCIDOSIS. Identifiers: Orphanet 586, MedGen C0010674, MONDO:0009061, OMIM 219700. Disease mechanism: loss of function.

Allele frequency attached by ClinVar (database versions not stated): gnomAD exomes below 0.00001.
gnomAD v4.1: 2 of 1,611,296 alleles (0.00012%); highest among the groups gnomAD compares: Non-Finnish European, 0.00017%; no homozygotes.

Submission:

Labcorp Genetics (formerly Invitae), Labcorp
Classification: Uncertain significance for Cystic fibrosis. Last evaluated: 2023-12-27. Review status: criteria provided, single submitter. Criteria: Invitae Variant Classification Sherloc (09022015). Collection method: clinical testing. Allele origin: germline.
Comment: This sequence change replaces lysine, which is basic and polar, with arginine, which is basic and polar, at codon 95 of the CFTR protein (p.Lys95Arg). This variant is not present in population databases (gnomAD no frequency). This variant has not been reported in the literature in individuals affected with CFTR-related conditions. Advanced modeling of protein sequence and biophysical properties (such as structural, functional, and spatial information, amino acid conservation, physicochemical variation, residue mobility, and thermodynamic stability) performed at Invitae indicates that this missense variant is expected to disrupt CFTR protein function with a positive predictive value of 80%. In summary, the available evidence is currently insufficient to determine the role of this variant in disease. Therefore, it has been classified as a Variant of Uncertain Significance.

NM_000492.4(CFTR):c.284A>G (p.Lys95Arg)

Gene: CFTR (CF transmembrane conductance regulator; plus strand). Cytogenetic location: 7q31.2.
Variant type: single nucleotide variant.
Coding change: c.284A>G on transcript NM_000492.4 (MANE Select); coding-DNA position 284, A replaced by G.
Protein change: p.Lys95Arg; replaces lysine 95 with arginine.
Molecular consequence: missense variant.
Genome position (GRCh38, 1-based): chr7:117,530,909, A>G. VCF-style: chr7-117530909-A-G. GRCh37 (hg19) VCF-style: chr7-117170963-A-G.
Other names: short protein forms K95R.
Identifiers: ClinVar variation 2732381 (VCV002732381.3), dbSNP rs1798848823, ClinGen allele CA368974216.